The following is an entry in ClinVar:

NM_130466.4(UBE3B):c.2898G>A (p.Pro966=)

Gene: UBE3B (ubiquitin protein ligase E3B; plus strand). Cytogenetic location: 12q24.11.
Variant type: single nucleotide variant.
Coding change: c.2898G>A on transcript NM_130466.4 (MANE Select); coding-DNA position 2898, G replaced by A.
Protein change: p.Pro966=; no amino-acid change (proline 966 retained).
Molecular consequence: synonymous variant.
Genome position (GRCh38, 1-based): chr12:109,530,634, G>A. VCF-style: chr12-109530634-G-A. GRCh37 (hg19) VCF-style: chr12-109968439-G-A.
Other names: c.2898G>A, p.Pro966= (NM_183415.3).
Identifiers: ClinVar variation 2076420 (VCV002076420.28), dbSNP rs748279232, ClinGen allele CA6778353.

ClinVar aggregate classification (germline): Likely benign. Review status: criteria provided, multiple submitters, no conflicts (2 of 4 stars). 2 submissions from 2 submitters: Likely benign (2). Last evaluated 2025-11-27.

Allele frequency attached by ClinVar (database versions not stated): ExAC 0.00001.
gnomAD v4.1: 26 of 1,614,020 alleles (0.0016%); highest among the groups gnomAD compares: Middle Eastern, 0.016%; no homozygotes.

Submissions (2):

Labcorp Genetics (formerly Invitae), Labcorp
Classification: Likely benign. Last evaluated: 2025-11-27. Review status: criteria provided, single submitter. Criteria: Invitae Variant Classification Sherloc (09022015). Collection method: clinical testing. Allele origin: germline.

CeGaT Center for Human Genetics Tuebingen
Classification: Likely benign. Last evaluated: 2023-07-01. Review status: criteria provided, single submitter. Criteria: CeGaT Center For Human Genetics Tuebingen Variant Classification Criteria Version 2. Collection method: clinical testing. Allele origin: germline. Affected: yes. Observed: 1 variant allele.
Comment: UBE3B: BP4, BP7